The following is an entry in ClinVar:

ClinVar aggregate classification (germline): Uncertain significance. Review status: criteria provided, multiple submitters, no conflicts (2 of 4 stars). 4 submissions from 4 submitters: Uncertain significance (4). Last evaluated 2026-09-22.

Conditions:
TNXB-related disorder. Also called: TNXB-related condition.
Cardiovascular phenotype. Identifiers: MedGen CN230736.

Allele frequency attached by ClinVar (database versions not stated): ExAC 0.00001; gnomAD exomes 0.00001 and 0.00006; gnomAD 0.00005 and 0.00006; TOPMed 0.00005.
gnomAD v4.1: 92 of 1,612,200 alleles (0.0057%); highest among the groups gnomAD compares: Non-Finnish European, 0.0073%; no homozygotes.

Submissions (4):

PreventionGenetics, part of Exact Sciences
Classification: Uncertain significance for TNXB-related condition. Last evaluated: 2026-09-22. Review status: criteria provided, single submitter. Criteria: ACMG Guidelines, 2015. Collection method: clinical testing. Allele origin: germline.
Comment: The TNXB c.8476G>A variant is predicted to result in the amino acid substitution p.Ala2826Thr. To our knowledge, this variant has not been reported in the literature. This variant is reported in 0.0086% of alleles in individuals of African descent in gnomAD. At this time, the clinical significance of this variant is uncertain due to the absence of conclusive functional and genetic evidence.

Women's Health and Genetics/Laboratory Corporation of America, LabCorp
Classification: Uncertain significance. Last evaluated: 2025-06-13. Review status: criteria provided, single submitter. Criteria: LabCorp Variant Classification Summary - May 2015. Collection method: clinical testing. Allele origin: germline.
Comment: Variant summary: TNXB c.8476G>A (p.Ala2826Thr) results in a non-conservative amino acid change in the encoded protein sequence. Algorithms developed to predict the effect of missense changes on protein structure and function are either unavailable or do not agree on the potential impact of this missense change. The variant allele was found at a frequency of 1.2e-05 in 244324 control chromosomes. The available data on variant occurrences in the general population are insufficient to allow any conclusion about variant significance. To our knowledge, no occurrence of c.8476G>A in individuals affected with Ehlers-Danlos syndrome due to tenascin-X deficiency and no experimental evidence demonstrating its impact on protein function have been reported. ClinVar contains an entry for this variant (Variation ID: 1306196). Based on the evidence outlined above, the variant was classified as uncertain significance.

Ambry Genetics
Classification: Uncertain significance for Cardiovascular phenotype. Last evaluated: 2024-11-27. Review status: criteria provided, single submitter. Criteria: Ambry Variant Classification Scheme 2023. Collection method: clinical testing. Allele origin: germline.
Comment: The p.A2826T variant (also known as c.8476G>A), located in coding exon 24 of the TNXB gene, results from a G to A substitution at nucleotide position 8476. The alanine at codon 2826 is replaced by threonine, an amino acid with similar properties. This amino acid position is not well conserved in available vertebrate species, and threonine is the reference amino acid in other vertebrate species. In addition, this alteration is predicted to be tolerated by in silico analysis. Since supporting evidence is limited at this time, the clinical significance of this alteration remains unclear.

GeneDx
Classification: Uncertain significance. Last evaluated: 2023-03-17. Review status: criteria provided, single submitter. Criteria: GeneDx Variant Classification Process June 2021. Collection method: clinical testing. Allele origin: germline. Affected: yes.
Comment: Has not been previously published as pathogenic or benign to our knowledge; In silico analysis supports that this missense variant does not alter protein structure/function

NM_001365276.2(TNXB):c.8482G>A (p.Ala2828Thr)

Gene: TNXB (tenascin XB; minus strand). Cytogenetic location: 6p21.33.
Variant type: single nucleotide variant.
Coding change: c.8482G>A on transcript NM_001365276.2 (MANE Select); coding-DNA position 8482, G replaced by A.
Protein change: p.Ala2828Thr; replaces alanine 2828 with threonine.
Molecular consequence: missense variant.
Genome position (GRCh38, 1-based): chr6:32,053,697, C>T on the plus strand (G>A on the coding strand, the complement: TNXB is on the minus strand). VCF-style: chr6-32053697-C-T. GRCh37 (hg19) VCF-style: chr6-32021474-C-T.
Other names: c.8476G>A, p.Ala2826Thr (NM_019105.8); short protein forms A2826T, A2828T.
Identifiers: ClinVar variation 1306196 (VCV001306196.8), dbSNP rs777104401, ClinGen allele CA3733821.